The following is an entry in ClinVar:

NM_003764.4(STX11):c.*606C>G

Gene: STX11 (syntaxin 11; plus strand). Cytogenetic location: 6q24.2.
Variant type: single nucleotide variant.
Coding change: c.*606C>G on transcript NM_003764.4 (MANE Select); 606 bases downstream of the stop codon, C replaced by G.
Molecular consequence: 3 prime UTR variant.
Genome position (GRCh38, 1-based): chr6:144,188,097, C>G. VCF-style: chr6-144188097-C-G. GRCh37 (hg19) VCF-style: chr6-144509234-C-G.
Other names: NC_000006.11:g.144509234C>G; c.*606C>G (LRG_113t1).
Identifiers: ClinVar variation 355608 (VCV000355608.6), dbSNP rs111644678, ClinGen allele CA10625978.

ClinVar aggregate classification (germline): Benign (1 of 4 stars; one submission).

Conditions:
Familial hemophagocytic lymphohistiocytosis 4 (FHL4). Also called: STX11-Related Familial Hemophagocytic Lymphohistiocytosis (STX11-fHLH). Identifiers: Orphanet 540, MedGen C1863728, MONDO:0011336, OMIM 603552.

Allele frequency attached by ClinVar (database versions not stated): gnomAD exomes 0.00210; 1000 Genomes Project 0.01138; 1000 Genomes Project 30x 0.01312; gnomAD 0.01514 and 0.01630; TOPMed 0.01665.
gnomAD v4.1: 2,486 of 241,756 alleles (1%); highest among the groups gnomAD compares: African/African-American, 5%; 69 homozygotes.

Submissions (3):

Illumina Laboratory Services, Illumina
Classification: Benign for Familial hemophagocytic lymphohistiocytosis 4. Last evaluated: 2018-01-13. Review status: criteria provided, single submitter. Criteria: ICSL Variant Classification Criteria 13 December 2019. Collection method: clinical testing. Allele origin: germline.
Comment: This variant was observed in the ICSL laboratory as part of a predisposition screen in an ostensibly healthy population. It had not been previously curated by ICSL or reported in the Human Gene Mutation Database (HGMD: prior to June 1st, 2018), and was therefore a candidate for classification through an automated scoring system. Utilizing variant allele frequency, disease prevalence and penetrance estimates, and inheritance mode, an automated score was calculated to assess if this variant is too frequent to cause the disease. Based on the score and internal cut-off values, a variant classified as benign is not then subjected to further curation. The score for this variant resulted in a classification of benign for this disease.

Dr. Peter K. Rogan Lab, Western University
No classification provided (evidence only). Condition: Uterine corpus endometrial carcinoma. Review status: no classification provided. Collection method: in vitro. Allele origin: not applicable. Functional consequence: retained intron. Not counted in ClinVar's aggregate classification.

Dr. Peter K. Rogan Lab, Western University
No classification provided (evidence only). Condition: Cervical cancer. Review status: no classification provided. Collection method: in vitro. Allele origin: not applicable. Functional consequence: retained intron. Not counted in ClinVar's aggregate classification.